The following is an entry in ClinVar:

ClinVar aggregate classification (germline): Likely benign. Review status: criteria provided, multiple submitters, no conflicts (2 of 4 stars). 2 submissions from 2 submitters: Likely benign (2). Last evaluated 2022-11-22.

Conditions:
Koolen-de Vries syndrome (KDVS). Identifiers: Orphanet 96169, MedGen C1864871, MONDO:0012496, OMIM 610443.

Allele frequency attached by ClinVar (database versions not stated): gnomAD 0.00001; ExAC 0.00002; gnomAD exomes 0.00002 and 0.00003.
gnomAD v4.1: 53 of 1,614,160 alleles (0.0033%); highest among the groups gnomAD compares: Non-Finnish European, 0.0043%; no homozygotes.

Submissions (2):

Labcorp Genetics (formerly Invitae), Labcorp
Classification: Likely benign for Koolen-de Vries syndrome. Last evaluated: 2022-11-22. Review status: criteria provided, single submitter. Criteria: Invitae Variant Classification Sherloc (09022015). Collection method: clinical testing. Allele origin: germline.

GeneDx
Classification: Likely benign. Last evaluated: 2017-06-22. Review status: criteria provided, single submitter. Criteria: GeneDx Variant Classification (06012015). Collection method: clinical testing. Allele origin: germline. Affected: yes.
Comment: This variant is considered likely benign or benign based on one or more of the following criteria: it is a conservative change, it occurs at a poorly conserved position in the protein, it is predicted to be benign by multiple in silico algorithms, and/or has population frequency not consistent with disease.

NM_015443.4(KANSL1):c.267T>C (p.Ser89=)

Gene: KANSL1 (KAT8 regulatory NSL complex subunit 1). Cytogenetic location: 17q21.31.
Variant type: single nucleotide variant.
Coding change: c.267T>C on transcript NM_015443.4 (MANE Select); coding-DNA position 267, T replaced by C.
Protein change: p.Ser89=; no amino-acid change (serine 89 retained).
Molecular consequence: synonymous variant.
Genome position (GRCh38, 1-based): chr17:46,171,877, A>G on the plus strand (T>C on the coding strand, the complement: KANSL1 is on the minus strand). VCF-style: chr17-46171877-A-G. GRCh37 (hg19) VCF-style: chr17-44249243-A-G.
Other names: c.267T>C, p.Ser89= (NM_001193465.2, NM_001193466.2, NM_001379198.1).
Identifiers: ClinVar variation 518153 (VCV000518153.9), dbSNP rs756494221, ClinGen allele CA8619083.